The following is an entry in ClinVar:

ClinVar aggregate classification (germline): Uncertain significance (1 of 4 stars; one submission).

Conditions:
Dilated cardiomyopathy 1CC (CMD1CC). Identifiers: Orphanet 154, MedGen C2751084, MONDO:0013147, OMIM 613122.
Hypertrophic cardiomyopathy 20. Identifiers: MedGen C3151267, MONDO:0013477, OMIM 613876.

gnomAD v4.1: 5 of 1,613,384 alleles (0.00031%); highest among the groups gnomAD compares: Admixed American, 0.0083%; no homozygotes.

Submission:

Labcorp Genetics (formerly Invitae), Labcorp
Classification: Uncertain significance for Dilated cardiomyopathy 1CC; Hypertrophic cardiomyopathy 20. Last evaluated: 2022-01-28. Review status: criteria provided, single submitter. Criteria: Invitae Variant Classification Sherloc (09022015). Collection method: clinical testing. Allele origin: germline.
Comment: This sequence change replaces lysine, which is basic and polar, with asparagine, which is neutral and polar, at codon 553 of the NEXN protein (p.Lys553Asn). This variant also falls at the last nucleotide of exon 12, which is part of the consensus splice site for this exon. This variant is present in population databases (rs557379467, gnomAD 0.01%). This variant has not been reported in the literature in individuals affected with NEXN-related conditions. Algorithms developed to predict the effect of missense changes on protein structure and function are either unavailable or do not agree on the potential impact of this missense change (SIFT: "Deleterious"; PolyPhen-2: "Probably Damaging"; Align-GVGD: "Class C0"). Variants that disrupt the consensus splice site are a relatively common cause of aberrant splicing (PMID: 17576681, 9536098). Algorithms developed to predict the effect of sequence changes on RNA splicing suggest that this variant may disrupt the consensus splice site. In summary, the available evidence is currently insufficient to determine the role of this variant in disease. Therefore, it has been classified as a Variant of Uncertain Significance.

Literature cited by the submitters: PubMed 17576681; PubMed 9536098.

NM_144573.4(NEXN):c.1659G>C (p.Lys553Asn)

Gene: NEXN (nexilin F-actin binding protein; plus strand). Cytogenetic location: 1p31.1.
Variant type: single nucleotide variant.
Coding change: c.1659G>C on transcript NM_144573.4 (MANE Select); coding-DNA position 1659, G replaced by C.
Protein change: p.Lys553Asn; replaces lysine 553 with asparagine.
Molecular consequence: missense variant.
Genome position (GRCh38, 1-based): chr1:77,942,208, G>C. VCF-style: chr1-77942208-G-C. GRCh37 (hg19) VCF-style: chr1-78407893-G-C.
Other names: c.1467G>C, p.Lys489Asn (NM_001172309.2); short protein forms K489N, K553N.
Identifiers: ClinVar variation 2144311 (VCV002144311.4), dbSNP rs557379467, ClinGen allele CA918946.